The following is an entry in ClinVar:

NM_001846.4(COL4A2):c.4403-4G>A

Genes: COL4A2 (collagen type IV alpha 2 chain; plus strand), COL4A2-AS1 (COL4A2 antisense RNA 1; minus strand). Cytogenetic location: 13q34.
Variant type: single nucleotide variant.
Coding change: c.4403-4G>A on transcript NM_001846.4 (MANE Select); 4 bases into the intron before coding-DNA position 4403, G replaced by A.
Molecular consequence: intron variant.
Genome position (GRCh38, 1-based): chr13:110,506,411, G>A. VCF-style: chr13-110506411-G-A. GRCh37 (hg19) VCF-style: chr13-111158758-G-A.
Identifiers: ClinVar variation 3389505 (VCV003389505.14).

ClinVar aggregate classification (germline): Uncertain significance (1 of 4 stars; one submission).

Submission:

CeGaT Center for Human Genetics Tuebingen
Classification: Uncertain significance. Last evaluated: 2024-09-01. Review status: criteria provided, single submitter. Criteria: CeGaT Center For Human Genetics Tuebingen Variant Classification Criteria Version 2. Collection method: clinical testing. Allele origin: germline. Affected: yes. Observed: 1 variant allele.
Comment: COL4A2: PM2, BP4